The following is an entry in ClinVar:

NM_033026.6(PCLO):c.825A>G (p.Gln275=)

Gene: PCLO (piccolo presynaptic cytomatrix protein; minus strand). Cytogenetic location: 7q21.11.
Variant type: single nucleotide variant.
Coding change: c.825A>G on transcript NM_033026.6 (MANE Select); coding-DNA position 825, A replaced by G.
Protein change: p.Gln275=; no amino-acid change (glutamine 275 retained).
Molecular consequence: synonymous variant.
Genome position (GRCh38, 1-based): chr7:83,155,816, T>C on the plus strand (A>G on the coding strand, the complement: PCLO is on the minus strand). VCF-style: chr7-83155816-T-C. GRCh37 (hg19) VCF-style: chr7-82785132-T-C.
Other names: c.825A>G, p.Gln275= (NM_014510.3).
Identifiers: ClinVar variation 1167967 (VCV001167967.12), dbSNP rs61742779, ClinGen allele CA4321595.
Genomic context (GRCh38, chr7:83,155,816, plus strand): 5'-TTTAACTGATTCTCCCCTTACTATGTCTGCCTGTTTAGTCTGAGGCCTGGATGCATCTCG[T>C]TGAAGTGGCAATTTTGCATGGTCTGTCTGAGGAGTCTGGGTAGGACCCTGAATTGGCTTT-3'
Protein context (NP_149015.2, residues 265-285): PQTDHAKLPL[Gln275=]RDASRPQTKQ

ClinVar aggregate classification (germline): Benign/Likely benign. Review status: criteria provided, multiple submitters, no conflicts (2 of 4 stars). 4 submissions from 4 submitters: Benign (2); Likely benign (2). Last evaluated 2026-08-01.

Allele frequency attached by ClinVar (database versions not stated): gnomAD exomes 0.00029 and 0.00082; ExAC 0.00099; ESP Exome Variant Server 0.00310; gnomAD 0.00317 and 0.00334; 1000 Genomes Project 0.00379; TOPMed 0.00384.
gnomAD v4.1: 936 of 1,613,434 alleles (0.058%); highest among the groups gnomAD compares: African/African-American, 1%; 4 homozygotes.

Submissions (4):

CeGaT Center for Human Genetics Tuebingen
Classification: Likely benign. Last evaluated: 2026-08-01. Review status: criteria provided, single submitter. Criteria: CeGaT Center For Human Genetics Tuebingen Variant Classification Criteria Version 2. Collection method: clinical testing. Allele origin: germline. Affected: yes. Observed: 1 variant allele.
Comment: PCLO: BP4, BP7, BS1

Labcorp Genetics (formerly Invitae), Labcorp
Classification: Benign. Last evaluated: 2026-01-27. Review status: criteria provided, single submitter. Criteria: Invitae Variant Classification Sherloc (09022015). Collection method: clinical testing. Allele origin: germline.

Blueprint Genetics
Classification: Likely benign. Last evaluated: 2024-07-08. Review status: criteria provided, single submitter. Criteria: ACMG Guidelines, 2015. Collection method: clinical testing. Allele origin: germline.

Breakthrough Genomics
Classification: Benign. Review status: criteria provided, single submitter. Criteria: ACMG Guidelines, 2015. Collection method: not provided. Allele origin: germline. Inheritance: Autosomal recessive inheritance. Affected: yes.